The following is an entry in ClinVar:

ClinVar aggregate classification (germline): Conflicting classifications of pathogenicity. Review status: criteria provided, conflicting classifications (1 of 4 stars). 4 submissions from 4 submitters: Uncertain significance (2); Likely benign (2). Last evaluated 2025-11-10.

Conditions:
Hereditary cancer-predisposing syndrome. Also called: Tumor predisposition; Neoplastic Syndromes, Hereditary; Hereditary Cancer Syndrome; Hereditary neoplastic syndrome. Identifiers: Orphanet 140162, MedGen C0027672, MeSH D009386, MONDO:0015356.
Hereditary breast ovarian cancer syndrome. Also called: Hereditary breast and ovarian cancer; Hereditary breast and ovarian cancer syndrome; Breast and ovarian cancer; Hereditary breast and/or ovarian cancer syndrome; BRCA1- and BRCA2-Associated Hereditary Breast and Ovarian Cancer; Hereditary breast and ovarian cancer syndrome (HBOC). Identifiers: Orphanet 145, MedGen C0677776, MeSH D061325, MONDO:0003582. Disease mechanism: loss of function.

Allele frequency attached by ClinVar (database versions not stated): gnomAD exomes below 0.00001.
gnomAD v4.1: 2 of 1,595,934 alleles (0.00013%); highest among the groups gnomAD compares: Middle Eastern, 0.034%; no homozygotes.

Submissions (4):

Labcorp Genetics (formerly Invitae), Labcorp
Classification: Uncertain significance for Hereditary breast ovarian cancer syndrome. Last evaluated: 2025-11-10. Review status: criteria provided, single submitter. Criteria: Invitae Variant Classification Sherloc (09022015). Collection method: clinical testing. Allele origin: germline.
Comment: This sequence change replaces asparagine, which is neutral and polar, with threonine, which is neutral and polar, at codon 1344 of the BRCA2 protein (p.Asn1344Thr). This variant is not present in population databases (gnomAD no frequency). This variant has not been reported in the literature in individuals affected with BRCA2-related conditions. ClinVar contains an entry for this variant (Variation ID: 639850). Invitae Evidence Modeling of protein sequence and biophysical properties (such as structural, functional, and spatial information, amino acid conservation, physicochemical variation, residue mobility, and thermodynamic stability) indicates that this missense variant is not expected to disrupt BRCA2 protein function with a negative predictive value of 95%. In summary, the available evidence is currently insufficient to determine the role of this variant in disease. Therefore, it has been classified as a Variant of Uncertain Significance.

Ambry Genetics
Classification: Likely benign for Hereditary cancer-predisposing syndrome. Last evaluated: 2025-02-12. Review status: criteria provided, single submitter. Criteria: Ambry Variant Classification Scheme 2023. Collection method: clinical testing. Allele origin: germline.

University of Washington Department of Laboratory Medicine, University of Washington
Classification: Likely benign for Hereditary cancer-predisposing syndrome. Last evaluated: 2023-03-23. Review status: criteria provided, single submitter. Criteria: Dines et al. (Genet Med. 2020). Collection method: curation. Allele origin: germline.
Comment: Missense variant in a coldspot region where missense variants are very unlikely to be pathogenic (PMID:31911673).

BRCA2 exon 11 coldspot. Reclassification based on statistical prior probability.

Blueprint Genetics
Classification: Uncertain significance. Last evaluated: 2018-07-12. Review status: criteria provided, single submitter. Criteria: ACMG Guidelines, 2015. Collection method: clinical testing. Allele origin: germline.

NM_000059.4(BRCA2):c.4031A>C (p.Asn1344Thr)

Gene: BRCA2 (BRCA2 DNA repair associated; plus strand). Cytogenetic location: 13q13.1.
Variant type: single nucleotide variant.
Coding change: c.4031A>C on transcript NM_000059.4 (MANE Select); coding-DNA position 4031, A replaced by C.
Protein change: p.Asn1344Thr; replaces asparagine 1344 with threonine.
Molecular consequence: missense variant.
Genome position (GRCh38, 1-based): chr13:32,338,386, A>C. VCF-style: chr13-32338386-A-C. GRCh37 (hg19) VCF-style: chr13-32912523-A-C.
Other names: short protein forms N1344T.
Identifiers: ClinVar variation 639850 (VCV000639850.12), dbSNP rs1593901214, ClinGen allele CA387779065.